The following is an entry in ClinVar:

ClinVar aggregate classification (germline): Benign/Likely benign. Review status: criteria provided, multiple submitters, no conflicts (2 of 4 stars). 4 submissions from 4 submitters: Benign (1); Likely benign (3). Last evaluated 2024-12-12.

Conditions:
Familial melanoma. Also called: Hereditary melanoma; Hereditary cutaneous melanoma. Identifiers: Orphanet 618, MedGen C1512419, MONDO:0018961.
Hereditary cancer-predisposing syndrome. Also called: Neoplastic Syndromes, Hereditary; Tumor predisposition; Hereditary neoplastic syndrome; Hereditary Cancer Syndrome. Identifiers: Orphanet 140162, MedGen C0027672, MeSH D009386, MONDO:0015356.
Melanoma, cutaneous malignant, susceptibility to, 3. Also called: Cutaneous malignant melanoma 3. Identifiers: Orphanet 618, MedGen C1836892, MONDO:0012183, OMIM 609048.

Submissions (4):

Labcorp Genetics (formerly Invitae), Labcorp
Classification: Likely benign for Familial melanoma. Last evaluated: 2024-12-12. Review status: criteria provided, single submitter. Criteria: Invitae Variant Classification Sherloc (09022015). Collection method: clinical testing. Allele origin: germline.

Myriad Genetics, Inc.
Classification: Benign for Melanoma, cutaneous malignant, susceptibility to, 3. Last evaluated: 2024-09-26. Review status: criteria provided, single submitter. Criteria: Myriad Autosomal Dominant, Autosomal Recessive and X-Linked Classification Criteria (2023). Collection method: clinical testing. Allele origin: unknown.
Comment: This variant is considered benign. This variant is a silent/synonymous amino acid change and it is not expected to impact splicing.

Ambry Genetics
Classification: Likely benign for Hereditary cancer-predisposing syndrome. Last evaluated: 2018-11-21. Review status: criteria provided, single submitter. Criteria: Ambry Variant Classification Scheme 2023. Collection method: clinical testing. Allele origin: germline.

GeneDx
Classification: Likely benign. Last evaluated: 2018-03-30. Review status: criteria provided, single submitter. Criteria: GeneDx Variant Classification (06012015). Collection method: clinical testing. Allele origin: germline. Affected: yes.
Comment: This variant is considered likely benign or benign based on one or more of the following criteria: it is a conservative change, it occurs at a poorly conserved position in the protein, it is predicted to be benign by multiple in silico algorithms, and/or has population frequency not consistent with disease.

NM_000075.4(CDK4):c.534C>G (p.Leu178=)

Gene: CDK4 (cyclin dependent kinase 4; minus strand). Cytogenetic location: 12q14.1.
Variant type: single nucleotide variant.
Coding change: c.534C>G on transcript NM_000075.4 (MANE Select); coding-DNA position 534, C replaced by G.
Protein change: p.Leu178=; no amino-acid change (leucine 178 retained).
Molecular consequence: synonymous variant.
Genome position (GRCh38, 1-based): chr12:57,750,754, G>C on the plus strand (C>G on the coding strand, the complement: CDK4 is on the minus strand). VCF-style: chr12-57750754-G-C. GRCh37 (hg19) VCF-style: chr12-58144537-G-C.
Identifiers: ClinVar variation 681532 (VCV000681532.15), dbSNP rs11547327, ClinGen allele CA480301396.